The following is an entry in ClinVar:

NM_001036.6(RYR3):c.7679G>A (p.Arg2560Gln)

Gene: RYR3 (ryanodine receptor 3; plus strand). Cytogenetic location: 15q14.
Variant type: single nucleotide variant.
Coding change: c.7679G>A on transcript NM_001036.6 (MANE Select); coding-DNA position 7679, G replaced by A.
Protein change: p.Arg2560Gln; replaces arginine 2560 with glutamine.
Molecular consequence: missense variant.
Genome position (GRCh38, 1-based): chr15:33,739,854, G>A. VCF-style: chr15-33739854-G-A. GRCh37 (hg19) VCF-style: chr15-34032055-G-A.
Other names: c.7679G>A, p.Arg2560Gln (NM_001243996.4); c.7679G>A (NM_001036.3); short protein forms R2560Q.
Identifiers: ClinVar variation 461954 (VCV000461954.11), dbSNP rs376062318, ClinGen allele CA7459967.
Genomic context (GRCh38, chr15:33,739,854, plus strand): 5'-GCTTTCTCTACTAATGTGGCCTTGTTTTTCCCTCACAGAAATATGACCCAGATCTTTTCC[G>A]AATGGCCCTGCCTTGTCTCAGTGCTATAGCTGGGGCCTTGCCACCAGATTATTTAGATAC-3'
Protein context (NP_001027.3, residues 2550-2570): SHKKYDPDLF[Arg2560Gln]MALPCLSAIA

ClinVar aggregate classification (germline): Uncertain significance. Review status: criteria provided, multiple submitters, no conflicts (2 of 4 stars). 2 submissions from 2 submitters: Uncertain significance (2). Last evaluated 2025-05-05.

Conditions:
Epileptic encephalopathy. Identifiers: MedGen C0543888, HP:0200134.

Allele frequency attached by ClinVar (database versions not stated): gnomAD exomes 0.00002; ExAC 0.00003; TOPMed 0.00006; gnomAD 0.00007; ESP Exome Variant Server 0.00017.
gnomAD v4.1: 39 of 1,613,210 alleles (0.0024%); highest among the groups gnomAD compares: African/African-American, 0.028%; no homozygotes.

Submissions (2):

Ambry Genetics
Classification: Uncertain significance. Last evaluated: 2025-05-05. Review status: criteria provided, single submitter. Criteria: Ambry Variant Classification Scheme 2023. Collection method: clinical testing. Allele origin: germline.

Labcorp Genetics (formerly Invitae), Labcorp
Classification: Uncertain significance for Epileptic encephalopathy. Last evaluated: 2022-06-13. Review status: criteria provided, single submitter. Criteria: Invitae Variant Classification Sherloc (09022015). Collection method: clinical testing. Allele origin: germline.
Comment: Algorithms developed to predict the effect of missense changes on protein structure and function are either unavailable or do not agree on the potential impact of this missense change (SIFT: "Deleterious"; PolyPhen-2: "Benign"; Align-GVGD: "Class C0"). In summary, the available evidence is currently insufficient to determine the role of this variant in disease. Therefore, it has been classified as a Variant of Uncertain Significance. ClinVar contains an entry for this variant (Variation ID: 461954). This variant has not been reported in the literature in individuals affected with RYR3-related conditions. This variant is present in population databases (rs376062318, gnomAD 0.02%). This sequence change replaces arginine, which is basic and polar, with glutamine, which is neutral and polar, at codon 2560 of the RYR3 protein (p.Arg2560Gln).